The following is an entry in ClinVar:

ClinVar aggregate classification (germline): Likely benign (1 of 4 stars; one submission).

Allele frequency attached by ClinVar (database versions not stated): gnomAD exomes 0.00046; ExAC 0.00131; ESP Exome Variant Server 0.00205; gnomAD 0.00266; 1000 Genomes Project 0.00439.
gnomAD v4.1: 984 of 1,426,698 alleles (0.069%); highest among the groups gnomAD compares: African/African-American, 1.1%; 6 homozygotes.

Submission:

CeGaT Center for Human Genetics Tuebingen
Classification: Likely benign. Last evaluated: 2022-03-01. Review status: criteria provided, single submitter. Criteria: CeGaT Center For Human Genetics Tuebingen Variant Classification Criteria Version 2. Collection method: clinical testing. Allele origin: germline. Affected: yes. Observed: 1 variant allele.
Comment: TPRX1: BP4, BP7

NM_001397346.1(TPRX1):c.735A>G (p.Pro245=)

Gene: TPRX1 (tetrapeptide repeat homeobox 1; minus strand). Cytogenetic location: 19q13.33.
Variant type: single nucleotide variant.
Coding change: c.735A>G on transcript NM_001397346.1 (MANE Select); coding-DNA position 735, A replaced by G.
Protein change: p.Pro245=; no amino-acid change (proline 245 retained).
Molecular consequence: synonymous variant.
Genome position (GRCh38, 1-based): chr19:47,802,441, T>C on the plus strand (A>G on the coding strand, the complement: TPRX1 is on the minus strand). VCF-style: chr19-47802441-T-C. GRCh37 (hg19) VCF-style: chr19-48305698-T-C.
Other names: c.861A>G, p.Pro287= (NM_198479.3).
Identifiers: ClinVar variation 2650195 (VCV002650195.24), dbSNP rs373180393, ClinGen allele CA9544195.
Genomic context (GRCh38, chr19:47,802,441, plus strand): 5'-TGGGCCTGGGATCGGGCCTGGGATCGGGACTGAGATTGGGCCTGGGATCGGGCCTGAGAT[T>C]GGGCCTGGGATCGGGCCTGGGTTTGGGCCTGGGATCGGGCCTGGGTTTGGGCCTGAGAAT-3'
Protein context (NP_001384275.1, residues 235-255): PGPNPGPIPG[Pro245=]ISGPIPGPIS